The following is an entry in ClinVar:

ClinVar aggregate classification (germline): Uncertain significance (1 of 4 stars; one submission).

Allele frequency attached by ClinVar (database versions not stated): gnomAD exomes below 0.00001; TOPMed below 0.00001; gnomAD 0.00001.

Submission:

Labcorp Genetics (formerly Invitae), Labcorp
Classification: Uncertain significance. Last evaluated: 2022-10-08. Review status: criteria provided, single submitter. Criteria: Invitae Variant Classification Sherloc (09022015). Collection method: clinical testing. Allele origin: germline.
Comment: In summary, the available evidence is currently insufficient to determine the role of this variant in disease. Therefore, it has been classified as a Variant of Uncertain Significance. Algorithms developed to predict the effect of missense changes on protein structure and function output the following: SIFT: "Tolerated"; PolyPhen-2: "Benign"; Align-GVGD: "Class C0". The asparagine amino acid residue is found in multiple mammalian species, which suggests that this missense change does not adversely affect protein function. This variant has not been reported in the literature in individuals affected with NUP133-related conditions. This variant is not present in population databases (gnomAD no frequency). This sequence change replaces aspartic acid, which is acidic and polar, with asparagine, which is neutral and polar, at codon 1059 of the NUP133 protein (p.Asp1059Asn).

NM_018230.3(NUP133):c.3175G>A (p.Asp1059Asn)

Gene: NUP133 (nucleoporin 133; minus strand). Cytogenetic location: 1q42.13.
Variant type: single nucleotide variant.
Coding change: c.3175G>A on transcript NM_018230.3 (MANE Select); coding-DNA position 3175, G replaced by A.
Protein change: p.Asp1059Asn; replaces aspartic acid 1059 with asparagine.
Molecular consequence: missense variant.
Genome position (GRCh38, 1-based): chr1:229,450,530, C>T on the plus strand (G>A on the coding strand, the complement: NUP133 is on the minus strand). VCF-style: chr1-229450530-C-T. GRCh37 (hg19) VCF-style: chr1-229586277-C-T.
Other names: short protein forms D1059N.
Identifiers: ClinVar variation 2087014 (VCV002087014.4), dbSNP rs1395123898, ClinGen allele CA345143428.
Genomic context (GRCh38, chr1:229,450,530, plus strand): 5'-CTCTTTTTATATATGTATTCAGTTGCCTGAGATCATCTCAAGCAATTTTACTTACCTCAT[C>T]AATATATTCCAACAAGTCCAAAGCTTTCTTGAAATCATATTCATTAGCTCTTCTATTTTC-3'
Protein context (NP_060700.2, residues 1049-1069): KKALDLLEYI[Asp1059Asn]EEEDININDL